The following is an entry in ClinVar:

ClinVar aggregate classification (germline): Likely pathogenic (1 of 4 stars; one submission).

Submission:

Labcorp Genetics (formerly Invitae), Labcorp
Classification: Likely pathogenic. Last evaluated: 2024-07-27. Review status: criteria provided, single submitter. Criteria: Invitae Variant Classification Sherloc (09022015). Collection method: clinical testing. Allele origin: germline.
Comment: This sequence change replaces leucine, which is neutral and non-polar, with methionine, which is neutral and non-polar, at codon 2026 of the ABCA4 protein (p.Leu2026Met). This variant is not present in population databases (gnomAD no frequency). This variant has not been reported in the literature in individuals affected with ABCA4-related conditions. Advanced modeling of protein sequence and biophysical properties (such as structural, functional, and spatial information, amino acid conservation, physicochemical variation, residue mobility, and thermodynamic stability) performed at Invitae indicates that this missense variant is expected to disrupt ABCA4 protein function with a positive predictive value of 95%. This variant disrupts the p.Leu2026 amino acid residue in ABCA4. Other variant(s) that disrupt this residue have been determined to be pathogenic (PMID: 29854428, 29925512, 34214897). This suggests that this residue is clinically significant, and that variants that disrupt this residue are likely to be disease-causing. In summary, the currently available evidence indicates that the variant is pathogenic, but additional data are needed to prove that conclusively. Therefore, this variant has been classified as Likely Pathogenic.

Literature cited by the submitters: PubMed 29854428; PubMed 29925512; PubMed 34214897.

NM_000350.3(ABCA4):c.6076C>A (p.Leu2026Met)

Gene: ABCA4 (ATP binding cassette subfamily A member 4; minus strand). Cytogenetic location: 1p22.1.
Variant type: single nucleotide variant.
Coding change: c.6076C>A on transcript NM_000350.3 (MANE Select); coding-DNA position 6076, C replaced by A.
Protein change: p.Leu2026Met; replaces leucine 2026 with methionine.
Molecular consequence: missense variant.
Genome position (GRCh38, 1-based): chr1:94,005,512, G>T on the plus strand (C>A on the coding strand, the complement: ABCA4 is on the minus strand). VCF-style: chr1-94005512-G-T. GRCh37 (hg19) VCF-style: chr1-94471068-G-T.
Other names: c.5854C>A, p.Leu1952Met (NM_001425324.1); short protein forms L2026M, L1952M.
Identifiers: ClinVar variation 3660694 (VCV003660694.2).